The following is an entry in ClinVar:

NM_000059.4(BRCA2):c.8230A>G (p.Arg2744Gly)

Gene: BRCA2 (BRCA2 DNA repair associated; plus strand). Cytogenetic location: 13q13.1.
Variant type: single nucleotide variant.
Coding change: c.8230A>G on transcript NM_000059.4 (MANE Select); coding-DNA position 8230, A replaced by G.
Protein change: p.Arg2744Gly; replaces arginine 2744 with glycine.
Molecular consequence: missense variant.
Genome position (GRCh38, 1-based): chr13:32,363,432, A>G. VCF-style: chr13-32363432-A-G. GRCh37 (hg19) VCF-style: chr13-32937569-A-G.
Other names: short protein forms R2744G.
Identifiers: ClinVar variation 441410 (VCV000441410.15), dbSNP rs1555287055, ClinGen allele CA387749854.

ClinVar aggregate classification (germline): Conflicting classifications of pathogenicity. Review status: criteria provided, conflicting classifications (1 of 4 stars). 4 submissions from 4 submitters: Uncertain significance (2); Likely benign (2). Last evaluated 2026-04-14.

Conditions:
Hereditary cancer-predisposing syndrome. Also called: Hereditary Cancer Syndrome; Tumor predisposition; Neoplastic Syndromes, Hereditary; Hereditary neoplastic syndrome. Identifiers: Orphanet 140162, MedGen C0027672, MeSH D009386, MONDO:0015356.
Hereditary breast ovarian cancer syndrome. Also called: Hereditary breast and ovarian cancer syndrome; Breast and ovarian cancer; Hereditary breast and ovarian cancer; Hereditary breast and ovarian cancer syndrome (HBOC); Hereditary breast and/or ovarian cancer syndrome; BRCA1- and BRCA2-Associated Hereditary Breast and Ovarian Cancer. Identifiers: Orphanet 145, MedGen C0677776, MeSH D061325, MONDO:0003582. Disease mechanism: loss of function.
Breast-ovarian cancer, familial, susceptibility to, 2 (BROVCA2). Also called: BRCA2 Hereditary Breast and Ovarian Cancer. Identifiers: Orphanet 145, MedGen C2675520, MONDO:0012933, OMIM 612555. Disease mechanism: loss of function.

Allele frequency attached by ClinVar (database versions not stated): gnomAD exomes below 0.00001.
gnomAD v4.1: 6 of 1,614,204 alleles (0.00037%); highest among the groups gnomAD compares: Non-Finnish European, 0.00051%; no homozygotes.

Submissions (4):

German Consortium for Hereditary Breast and Ovarian Cancer, University Hospital Cologne
Classification: Likely benign for Hereditary breast ovarian cancer syndrome. Last evaluated: 2026-04-14. Review status: criteria provided, single submitter. Criteria: ClinGen BRCA2 1.2.0. Collection method: curation. Allele origin: germline.
Comment: This classification follows the ClinGen ENIGMA BRCA2 v1.2.0 classification scheme; We chose these criteria: PM2 (supporting pathogenic): absent from gnomAD v3/2, BP4 (supporting benign): BayesDel (no AF) = 0.0999 (thus < 0.18 AND SpliceAI <0.1), BS3 (strong benign): Reported by one calibrated study to exhibit protein function similar to benign control variants (PMID:32444794) (BS3 met).

Labcorp Genetics (formerly Invitae), Labcorp
Classification: Uncertain significance for Hereditary breast ovarian cancer syndrome. Last evaluated: 2026-01-27. Review status: criteria provided, single submitter. Criteria: Invitae Variant Classification Sherloc (09022015). Collection method: clinical testing. Allele origin: germline.
Comment: This sequence change replaces arginine, which is basic and polar, with glycine, which is neutral and non-polar, at codon 2744 of the BRCA2 protein (p.Arg2744Gly). This variant is not present in population databases (gnomAD no frequency). This variant has not been reported in the literature in individuals affected with BRCA2-related conditions. ClinVar contains an entry for this variant (Variation ID: 441410). Invitae Evidence Modeling of protein sequence and biophysical properties (such as structural, functional, and spatial information, amino acid conservation, physicochemical variation, residue mobility, and thermodynamic stability) indicates that this missense variant is not expected to disrupt BRCA2 protein function with a negative predictive value of 95%. In summary, the available evidence is currently insufficient to determine the role of this variant in disease. Therefore, it has been classified as a Variant of Uncertain Significance.

All of Us Research Program, National Institutes of Health
Classification: Uncertain significance for Breast-ovarian cancer, familial, susceptibility to, 2. Last evaluated: 2024-01-11. Review status: criteria provided, single submitter. Criteria: ACMG Guidelines, 2015. Collection method: clinical testing. Allele origin: germline. Inheritance: Autosomal dominant inheritance. Observed: 1 variant allele, 1 heterozygote.
Comment: This study involves interpretation of variants in research participants for the purpose of population health screening. Participant phenotype was not available at the time of variant classification. Additional details can be found in publication PMID: 35346344, PMCID: PMC8962531

Ambry Genetics
Classification: Likely benign for Hereditary cancer-predisposing syndrome. Last evaluated: 2022-01-09. Review status: criteria provided, single submitter. Criteria: Ambry Variant Classification Scheme 2023. Collection method: clinical testing. Allele origin: germline.